The following is an entry in ClinVar:

ClinVar aggregate classification (germline): Uncertain significance. Review status: criteria provided, multiple submitters, no conflicts (2 of 4 stars). 2 submissions from 2 submitters: Uncertain significance (2). Last evaluated 2025-10-28.

Conditions:
Inborn genetic diseases. Identifiers: MedGen C0950123, MeSH D030342.

Allele frequency attached by ClinVar (database versions not stated): gnomAD 0.00001.
gnomAD v4.1: 26 of 1,613,644 alleles (0.0016%); highest among the groups gnomAD compares: Non-Finnish European, 0.0022%; no homozygotes.

Submissions (2):

Ambry Genetics
Classification: Uncertain significance for Inborn genetic diseases. Last evaluated: 2025-10-28. Review status: criteria provided, single submitter. Criteria: Ambry Variant Classification Scheme 2023. Collection method: clinical testing. Allele origin: germline.

Labcorp Genetics (formerly Invitae), Labcorp
Classification: Uncertain significance. Last evaluated: 2021-08-27. Review status: criteria provided, single submitter. Criteria: Invitae Variant Classification Sherloc (09022015). Collection method: clinical testing. Allele origin: germline.
Comment: This sequence change replaces threonine with isoleucine at codon 189 of the FKBP10 protein (p.Thr189Ile). The threonine residue is highly conserved and there is a moderate physicochemical difference between threonine and isoleucine. This variant is not present in population databases (ExAC no frequency). This variant has not been reported in the literature in individuals affected with FKBP10-related conditions. Algorithms developed to predict the effect of missense changes on protein structure and function are either unavailable or do not agree on the potential impact of this missense change (SIFT: "Deleterious"; PolyPhen-2: "Possibly Damaging"; Align-GVGD: "Class C0"). In summary, the available evidence is currently insufficient to determine the role of this variant in disease. Therefore, it has been classified as a Variant of Uncertain Significance.

NM_021939.4(FKBP10):c.566C>T (p.Thr189Ile)

Gene: FKBP10 (FKBP prolyl isomerase 10; plus strand). Cytogenetic location: 17q21.2.
Variant type: single nucleotide variant.
Coding change: c.566C>T on transcript NM_021939.4 (MANE Select); coding-DNA position 566, C replaced by T.
Protein change: p.Thr189Ile; replaces threonine 189 with isoleucine.
Molecular consequence: missense variant.
Genome position (GRCh38, 1-based): chr17:41,818,263, C>T. VCF-style: chr17-41818263-C-T. GRCh37 (hg19) VCF-style: chr17-39974515-C-T.
Other names: c.566C>T (NM_021939.3); short protein forms T189I.
Identifiers: ClinVar variation 1421229 (VCV001421229.6), dbSNP rs1186713657, ClinGen allele CA399514710.
Genomic context (GRCh38, chr17:41,818,263, plus strand): 5'-GCATGGTCCAGGACGGCGACTTTGTCCGCTACCACTACAATGGCACCCTGCTGGACGGCA[C>T]CTCCTTCGACACCAGGTGAGGGGCTGGAGGGGAGCCCTGAGGCACTGGGGACTGTGGCAT-3'
Protein context (NP_068758.3, residues 179-199): YHYNGTLLDG[Thr189Ile]SFDTSYSKGG